The following is an entry in ClinVar:

ClinVar aggregate classification (germline): Benign (0 of 4 stars; one submission).

Conditions:
ATXN8OS-related disorder. Also called: ATXN8OS-related condition.

Allele frequency attached by ClinVar (database versions not stated): gnomAD exomes 0.00830; gnomAD 0.00980.

Submission:

PreventionGenetics, part of Exact Sciences
Classification: Benign for ATXN8OS-related condition. Last evaluated: 2019-03-01. Review status: no assertion criteria provided. Collection method: clinical testing. Allele origin: germline.
Comment: This variant is classified as benign based on ACMG/AMP sequence variant interpretation guidelines (Richards et al. 2015 PMID: 25741868, with internal and published modifications).

NR_002717.3(ATXN8OS):n.901_902del

Genes: ATXN8OS (ATXN8 opposite strand lncRNA; plus strand), LOC109461478 (ATXN8 opposite strand (non-protein coding) repeat instability region; plus strand). Cytogenetic location: 13q21.33.
Variant type: Deletion.
Molecular consequence: non-coding transcript variant (on NR_002717.3).
Genome position: GRCh38 VCF-style: chr13-70139389-GCT-G. GRCh37 (hg19) VCF-style: chr13-70713521-GCT-G.
Identifiers: ClinVar variation 3055690 (VCV003055690.2), dbSNP rs1340799857, ClinGen allele CA610915326.
Genomic context (GRCh38, chr13:70,139,389, plus strand): 5'-CTTCATGTTAGAAAACCTGGCTTTACTACTACTACTACTACTACTACTACTACTACTGCT[GCT>G]GCTGCTGCTGCTGCTGCTGCTGCTGCTGCTGCTGCTGCATTTTTTAAAAATATATTATCT-3'